The following is an entry in ClinVar:

ClinVar aggregate classification (germline): Uncertain significance. Review status: criteria provided, multiple submitters, no conflicts (2 of 4 stars). 3 submissions from 3 submitters: Uncertain significance (3). Last evaluated 2025-10-01.

Conditions:
Hereditary cancer-predisposing syndrome. Also called: Neoplastic Syndromes, Hereditary; Tumor predisposition; Hereditary neoplastic syndrome; Hereditary Cancer Syndrome. Identifiers: Orphanet 140162, MedGen C0027672, MeSH D009386, MONDO:0015356.

Submissions (3):

Labcorp Genetics (formerly Invitae), Labcorp
Classification: Uncertain significance. Last evaluated: 2025-10-01. Review status: criteria provided, single submitter. Criteria: Invitae Variant Classification Sherloc (09022015). Collection method: clinical testing. Allele origin: germline.
Comment: This sequence change replaces glutamic acid, which is acidic and polar, with lysine, which is basic and polar, at codon 273 of the NTHL1 protein (p.Glu273Lys). This variant is not present in population databases (gnomAD no frequency). This variant has not been reported in the literature in individuals affected with NTHL1-related conditions. ClinVar contains an entry for this variant (Variation ID: 827492). An algorithm developed to predict the effect of missense changes on protein structure and function (PolyPhen-2) suggests that this variant is likely to be tolerated. RNA analysis performed to evaluate the impact of this missense change on mRNA splicing indicates it does not significantly alter splicing (internal data). In summary, the available evidence is currently insufficient to determine the role of this variant in disease. Therefore, it has been classified as a Variant of Uncertain Significance.

Ambry Genetics
Classification: Uncertain significance for Hereditary cancer-predisposing syndrome. Last evaluated: 2023-11-16. Review status: criteria provided, single submitter. Criteria: Ambry Variant Classification Scheme 2023. Collection method: clinical testing. Allele origin: germline.
Comment: The p.E273K variant (also known as c.817G>A), located in coding exon 6 of the NTHL1 gene, results from a G to A substitution at nucleotide position 817. The glutamic acid at codon 273 is replaced by lysine, an amino acid with similar properties. This amino acid position is not well conserved in available vertebrate species. In addition, the in silico prediction for this alteration is inconclusive. Since supporting evidence is limited at this time, the clinical significance of this alteration remains unclear.

GeneDx
Classification: Uncertain significance. Last evaluated: 2019-11-20. Review status: criteria provided, single submitter. Criteria: GeneDx Variant Classification Process June 2021. Collection method: clinical testing. Allele origin: germline. Affected: yes.
Comment: Not observed in large population cohorts (Lek 2016); In silico analysis, which includes protein predictors and evolutionary conservation, supports that this variant does not alter protein structure/function; Has not been previously published as pathogenic or benign to our knowledge

NM_002528.7(NTHL1):c.793G>A (p.Glu265Lys)

Gene: NTHL1 (nth like DNA glycosylase 1; minus strand). Cytogenetic location: 16p13.3.
Variant type: single nucleotide variant.
Coding change: c.793G>A on transcript NM_002528.7 (MANE Select); coding-DNA position 793, G replaced by A.
Protein change: p.Glu265Lys; replaces glutamic acid 265 with lysine.
Molecular consequence: missense variant.
Genome position (GRCh38, 1-based): chr16:2,040,046, C>T on the plus strand (G>A on the coding strand, the complement: NTHL1 is on the minus strand). VCF-style: chr16-2040046-C-T. GRCh37 (hg19) VCF-style: chr16-2090047-C-T.
Other names: c.622G>A, p.Glu208Lys (NM_001318193.2); c.463G>A, p.Glu155Lys (NM_001318194.2); short protein forms E155K, E208K, E265K.
Identifiers: ClinVar variation 827492 (VCV000827492.13), dbSNP rs1596216138, ClinGen allele CA394287654.